The following is an entry in ClinVar:

ClinVar aggregate classification (germline): Uncertain significance (1 of 4 stars; one submission).

Submission:

Labcorp Genetics (formerly Invitae), Labcorp
Classification: Uncertain significance. Last evaluated: 2022-08-05. Review status: criteria provided, single submitter. Criteria: Invitae Variant Classification Sherloc (09022015). Collection method: clinical testing. Allele origin: germline.
Comment: In summary, the available evidence is currently insufficient to determine the role of this variant in disease. Therefore, it has been classified as a Variant of Uncertain Significance. Algorithms developed to predict the effect of missense changes on protein structure and function (SIFT, PolyPhen-2, Align-GVGD) all suggest that this variant is likely to be disruptive. This variant has not been reported in the literature in individuals affected with SIN3A-related conditions. This variant is not present in population databases (gnomAD no frequency). This sequence change replaces arginine, which is basic and polar, with tryptophan, which is neutral and slightly polar, at codon 967 of the SIN3A protein (p.Arg967Trp).

NM_001145358.2(SIN3A):c.2899C>T (p.Arg967Trp)

Gene: SIN3A (SIN3 transcription regulator family member A; minus strand). Cytogenetic location: 15q24.2.
Variant type: single nucleotide variant.
Coding change: c.2899C>T on transcript NM_001145358.2 (MANE Select); coding-DNA position 2899, C replaced by T.
Protein change: p.Arg967Trp; replaces arginine 967 with tryptophan.
Molecular consequence: missense variant.
Genome position (GRCh38, 1-based): chr15:75,389,774, G>A on the plus strand (C>T on the coding strand, the complement: SIN3A is on the minus strand). VCF-style: chr15-75389774-G-A. GRCh37 (hg19) VCF-style: chr15-75682115-G-A.
Other names: c.2899C>T, p.Arg967Trp (NM_001145357.2, NM_015477.3); short protein forms R967W.
Identifiers: ClinVar variation 1714550 (VCV001714550.5), dbSNP rs2543061769, ClinGen allele CA393489599.